The following is an entry in ClinVar:

NM_004171.4(SLC1A2):c.1111A>G (p.Thr371Ala)

Gene: SLC1A2 (solute carrier family 1 member 2; minus strand). Cytogenetic location: 11p13.
Variant type: single nucleotide variant.
Coding change: c.1111A>G on transcript NM_004171.4 (MANE Select); coding-DNA position 1111, A replaced by G.
Protein change: p.Thr371Ala; replaces threonine 371 with alanine.
Molecular consequence: missense variant.
Genome position (GRCh38, 1-based): chr11:35,286,932, T>C on the plus strand (A>G on the coding strand, the complement: SLC1A2 is on the minus strand). VCF-style: chr11-35286932-T-C. GRCh37 (hg19) VCF-style: chr11-35308479-T-C.
Other names: c.1084A>G, p.Thr362Ala (NM_001195728.3, NM_001252652.2); short protein forms T362A, T371A.
Identifiers: ClinVar variation 2194476 (VCV002194476.4), dbSNP rs2497743608, ClinGen allele CA380123233.

ClinVar aggregate classification (germline): Uncertain significance (1 of 4 stars; one submission).

Submission:

Labcorp Genetics (formerly Invitae), Labcorp
Classification: Uncertain significance. Last evaluated: 2023-07-16. Review status: criteria provided, single submitter. Criteria: Invitae Variant Classification Sherloc (09022015). Collection method: clinical testing. Allele origin: germline.
Comment: In summary, the available evidence is currently insufficient to determine the role of this variant in disease. Therefore, it has been classified as a Variant of Uncertain Significance. Advanced modeling of protein sequence and biophysical properties (such as structural, functional, and spatial information, amino acid conservation, physicochemical variation, residue mobility, and thermodynamic stability) performed at Invitae indicates that this missense variant is expected to disrupt SLC1A2 protein function. ClinVar contains an entry for this variant (Variation ID: 2194476). This variant has not been reported in the literature in individuals affected with SLC1A2-related conditions. This variant is not present in population databases (gnomAD no frequency). This sequence change replaces threonine, which is neutral and polar, with alanine, which is neutral and non-polar, at codon 371 of the SLC1A2 protein (p.Thr371Ala).